The following is an entry in ClinVar:

NM_000466.3(PEX1):c.1516T>C (p.Ser506Pro)

Gene: PEX1 (peroxisomal biogenesis factor 1; minus strand). Cytogenetic location: 7q21.2.
Variant type: single nucleotide variant.
Coding change: c.1516T>C on transcript NM_000466.3 (MANE Select); coding-DNA position 1516, T replaced by C.
Protein change: p.Ser506Pro; replaces serine 506 with proline.
Molecular consequence: missense variant.
Genome position (GRCh38, 1-based): chr7:92,511,015, A>G on the plus strand (T>C on the coding strand, the complement: PEX1 is on the minus strand). VCF-style: chr7-92511015-A-G. GRCh37 (hg19) VCF-style: chr7-92140329-A-G.
Other names: c.1516T>C (NM_000466.2); c.1516T>C, p.Ser506Pro (NM_001282677.2); c.892T>C, p.Ser298Pro (NM_001282678.2); short protein forms S506P, S298P.
Identifiers: ClinVar variation 1444588 (VCV001444588.7), dbSNP rs778220793, ClinGen allele CA4341380.
Genomic context (GRCh38, chr7:92,511,015, plus strand): 5'-TCTTCTGCAGCAAATTGGGACTCAACAGAAAAATATTTTTATCTTTTTCTTTTTCCCAAG[A>G]ATGAACTATACTCAGAGAAAATTCCTTCAGTCCTATTAAAAAGAAAGTAATAAATGCAGA-3'
Protein context (NP_000457.1, residues 496-516): LKEFSLSIVH[Ser506Pro]WEKEKDKNIF

ClinVar aggregate classification (germline): Uncertain significance. Review status: criteria provided, multiple submitters, no conflicts (2 of 4 stars). 3 submissions from 3 submitters: Uncertain significance (3). Last evaluated 2025-06-20.

Conditions:
Zellweger spectrum disorders (ZS). Also called: Zellweger Spectrum Disorder; Zellweger Spectrum; Zellweger Spectrum Disorder (ZSD); Zellweger syndrome. Identifiers: Orphanet 912, MedGen C0043459, MONDO:0019609.
Inborn genetic diseases. Identifiers: MedGen C0950123, MeSH D030342.

Allele frequency attached by ClinVar (database versions not stated): gnomAD 0.00001; ExAC 0.00002; TOPMed 0.00002.
gnomAD v4.1: 22 of 1,578,192 alleles (0.0014%); highest among the groups gnomAD compares: Non-Finnish European, 0.0019%; no homozygotes.

Submissions (3):

Labcorp Genetics (formerly Invitae), Labcorp
Classification: Uncertain significance for Zellweger spectrum disorders. Last evaluated: 2025-06-20. Review status: criteria provided, single submitter. Criteria: Invitae Variant Classification Sherloc (09022015). Collection method: clinical testing. Allele origin: germline.
Comment: This sequence change replaces serine, which is neutral and polar, with proline, which is neutral and non-polar, at codon 506 of the PEX1 protein (p.Ser506Pro). This variant is present in population databases (rs778220793, gnomAD 0.004%). This variant has not been reported in the literature in individuals affected with PEX1-related conditions. ClinVar contains an entry for this variant (Variation ID: 1444588). Invitae Evidence Modeling of protein sequence and biophysical properties (such as structural, functional, and spatial information, amino acid conservation, physicochemical variation, residue mobility, and thermodynamic stability) indicates that this missense variant is not expected to disrupt PEX1 protein function with a negative predictive value of 95%. In summary, the available evidence is currently insufficient to determine the role of this variant in disease. Therefore, it has been classified as a Variant of Uncertain Significance.

Ambry Genetics
Classification: Uncertain significance for Inborn genetic diseases. Last evaluated: 2025-05-23. Review status: criteria provided, single submitter. Criteria: Ambry Variant Classification Scheme 2023. Collection method: clinical testing. Allele origin: germline.

Blueprint Genetics
Classification: Uncertain significance. Last evaluated: 2024-07-10. Review status: criteria provided, single submitter. Criteria: ACMG Guidelines, 2015. Collection method: clinical testing. Allele origin: germline.